The following is an entry in ClinVar:

NM_000090.4(COL3A1):c.677C>T (p.Pro226Leu)

Gene: COL3A1 (collagen type III alpha 1 chain; plus strand). Cytogenetic location: 2q32.2.
Variant type: single nucleotide variant.
Coding change: c.677C>T on transcript NM_000090.4 (MANE Select); coding-DNA position 677, C replaced by T.
Protein change: p.Pro226Leu; replaces proline 226 with leucine.
Molecular consequence: missense variant.
Genome position (GRCh38, 1-based): chr2:188,989,436, C>T. VCF-style: chr2-188989436-C-T. GRCh37 (hg19) VCF-style: chr2-189854162-C-T.
Other names: short protein forms P226L.
Identifiers: ClinVar variation 2918478 (VCV002918478.4), dbSNP rs1688132363, ClinGen allele CA349848853.

ClinVar aggregate classification (germline): Uncertain significance. Review status: criteria provided, multiple submitters, no conflicts (2 of 4 stars). 2 submissions from 2 submitters: Uncertain significance (2). Last evaluated 2025-11-04.

Conditions:
Familial thoracic aortic aneurysm and aortic dissection (TAAD). Also called: Thoracic aortic aneurysms and dissections. Identifiers: Orphanet 91387, MedGen C4707243, MONDO:0019625.
Ehlers-Danlos syndrome, type 4 (EDSVASC). Also called: Ehlers-Danlos syndrome vascular type; Ehlers Danlos syndrome, ecchymotic type; Ehlers Danlos syndrome, arterial type; Ehlers Danlos syndrome, Sack-Barabas type; Ehlers-Danlos Syndrome Type IV. Identifiers: Orphanet 286, MedGen C0268338, MONDO:0017314, OMIM 130050.

Submissions (2):

Ambry Genetics
Classification: Uncertain significance for Familial thoracic aortic aneurysm and aortic dissection. Last evaluated: 2025-11-04. Review status: criteria provided, single submitter. Criteria: Ambry Variant Classification Scheme 2023. Collection method: clinical testing. Allele origin: germline.
Comment: The p.P226L variant (also known as c.677C>T), located in coding exon 8 of the COL3A1 gene, results from a C to T substitution at nucleotide position 677. The proline at codon 226 is replaced by leucine, an amino acid with similar properties. This amino acid position is well conserved in available vertebrate species. In addition, the in silico prediction for this alteration is inconclusive. Based on the available evidence, the clinical significance of this variant remains unclear.

Labcorp Genetics (formerly Invitae), Labcorp
Classification: Uncertain significance for Ehlers-Danlos syndrome, type 4. Last evaluated: 2024-08-29. Review status: criteria provided, single submitter. Criteria: Invitae Variant Classification Sherloc (09022015). Collection method: clinical testing. Allele origin: germline.
Comment: This sequence change replaces proline, which is neutral and non-polar, with leucine, which is neutral and non-polar, at codon 226 of the COL3A1 protein (p.Pro226Leu). This variant is not present in population databases (gnomAD no frequency). This variant has not been reported in the literature in individuals affected with COL3A1-related conditions. Invitae Evidence Modeling of protein sequence and biophysical properties (such as structural, functional, and spatial information, amino acid conservation, physicochemical variation, residue mobility, and thermodynamic stability) indicates that this missense variant is not expected to disrupt COL3A1 protein function with a negative predictive value of 95%. In summary, the available evidence is currently insufficient to determine the role of this variant in disease. Therefore, it has been classified as a Variant of Uncertain Significance.